The following is an entry in ClinVar:

ClinVar aggregate classification (germline): Likely benign. Review status: criteria provided, multiple submitters, no conflicts (2 of 4 stars). 3 submissions from 3 submitters: Likely benign (3). Last evaluated 2025-11-20.

Allele frequency attached by ClinVar (database versions not stated): ExAC 0.00001; gnomAD 0.00001; gnomAD exomes 0.00001; TOPMed 0.00002.
gnomAD v4.1: 41 of 1,600,248 alleles (0.0026%); highest among the groups gnomAD compares: African/African-American, 0.0041%; no homozygotes.

Submissions (3):

Mayo Clinic Laboratories, Mayo Clinic
Classification: Likely benign. Last evaluated: 2025-11-20. Review status: criteria provided, single submitter. Criteria: ACMG Guidelines, 2015. Collection method: clinical testing. Allele origin: germline. Observed: 1 variant allele.
Comment: BP4, BP7

Blueprint Genetics
Classification: Likely benign. Last evaluated: 2024-03-28. Review status: criteria provided, single submitter. Criteria: ACMG Guidelines, 2015. Collection method: clinical testing. Allele origin: germline.

GeneDx
Classification: Likely benign. Last evaluated: 2019-06-06. Review status: criteria provided, single submitter. Criteria: GeneDx Variant Classification Process June 2021. Collection method: clinical testing. Allele origin: germline. Affected: yes.

NM_001267550.2(TTN):c.42415+6C>T

Gene: TTN (titin; minus strand). Cytogenetic location: 2q31.2.
Variant type: single nucleotide variant.
Coding change: c.42415+6C>T on transcript NM_001267550.2 (MANE Select); 6 bases into the intron after coding-DNA position 42415, C replaced by T.
Molecular consequence: intron variant.
Genome position (GRCh38, 1-based): chr2:178,634,360, G>A on the plus strand (C>T on the coding strand, the complement: TTN is on the minus strand). VCF-style: chr2-178634360-G-A. GRCh37 (hg19) VCF-style: chr2-179499087-G-A.
Other names: p.?; c.15220+6C>T (NM_003319.4); c.15796+6C>T (NM_133437.4); c.15595+6C>T (NM_133432.3); c.34711+6C>T (NM_133378.4); c.37492+6C>T (NM_001256850.1).
Identifiers: ClinVar variation 1290536 (VCV001290536.4), dbSNP rs775354753, ClinGen allele CA1996087.